The following is an entry in ClinVar:

NM_002880.4(RAF1):c.363G>T (p.Leu121Phe)

Gene: RAF1 (Raf-1 proto-oncogene, serine/threonine kinase; minus strand). Cytogenetic location: 3p25.2.
Variant type: single nucleotide variant.
Coding change: c.363G>T on transcript NM_002880.4 (MANE Select); coding-DNA position 363, G replaced by T.
Protein change: p.Leu121Phe; replaces leucine 121 with phenylalanine.
Molecular consequence: missense variant. On other transcripts: non-coding transcript variant (3).
Genome position (GRCh38, 1-based): chr3:12,609,293, C>A on the plus strand (G>T on the coding strand, the complement: RAF1 is on the minus strand). VCF-style: chr3-12609293-C-A. GRCh37 (hg19) VCF-style: chr3-12650792-C-A.
Other names: c.120G>T, p.Leu40Phe (NM_001354691.3, NM_001354692.3, NM_001354694.3 and 1 more transcripts); c.363G>T, p.Leu121Phe (NM_001354693.3, NM_001354690.3, NM_001354689.3); short protein forms L121F, L40F.
Identifiers: ClinVar variation 4842450 (VCV004842450.1).

ClinVar aggregate classification (germline): Uncertain significance (1 of 4 stars; one submission).

Conditions:
Cardiovascular phenotype. Identifiers: MedGen CN230736.

Submission:

Ambry Genetics
Classification: Uncertain significance for Cardiovascular phenotype. Last evaluated: 2025-12-26. Review status: criteria provided, single submitter. Criteria: Ambry Variant Classification Scheme 2023. Collection method: clinical testing. Allele origin: germline.
Comment: The p.L121F variant (also known as c.363G>T), located in coding exon 3 of the RAF1 gene, results from a G to T substitution at nucleotide position 363. The leucine at codon 121 is replaced by phenylalanine, an amino acid with highly similar properties. This amino acid position is conserved. In addition, the in silico prediction for this alteration is inconclusive. Based on the available evidence, the clinical significance of this variant remains unclear.